The following is an entry in ClinVar:

NM_001365276.2(TNXB):c.2729C>T (p.Ala910Val)

Gene: TNXB (tenascin XB; minus strand). Cytogenetic location: 6p21.33.
Variant type: single nucleotide variant.
Coding change: c.2729C>T on transcript NM_001365276.2 (MANE Select); coding-DNA position 2729, C replaced by T.
Protein change: p.Ala910Val; replaces alanine 910 with valine.
Molecular consequence: missense variant.
Genome position (GRCh38, 1-based): chr6:32,088,835, G>A on the plus strand (C>T on the coding strand, the complement: TNXB is on the minus strand). VCF-style: chr6-32088835-G-A. GRCh37 (hg19) VCF-style: chr6-32056612-G-A.
Other names: c.2729C>T, p.Ala910Val (NM_019105.8); short protein forms A910V.
Identifiers: ClinVar variation 2572806 (VCV002572806.1), dbSNP rs1295077978, ClinGen allele CA363459413.

ClinVar aggregate classification (germline): Uncertain significance (1 of 4 stars; one submission).

Allele frequency attached by ClinVar (database versions not stated): TOPMed below 0.00001.
gnomAD v4.1: 4 of 1,582,432 alleles (0.00025%); highest among the groups gnomAD compares: East Asian, 0.0046%; no homozygotes.

Submission:

GeneDx
Classification: Uncertain significance. Last evaluated: 2023-01-11. Review status: criteria provided, single submitter. Criteria: GeneDx Variant Classification Process June 2021. Collection method: clinical testing. Allele origin: germline. Affected: yes.
Comment: Not observed at significant frequency in large population cohorts (gnomAD); In silico analysis supports that this missense variant has a deleterious effect on protein structure/function; Has not been previously published as pathogenic or benign to our knowledge